The following is an entry in ClinVar:

ClinVar aggregate classification (germline): Likely benign. Review status: criteria provided, single submitter (1 of 4 stars). 2 submissions from 2 submitters: Likely benign (1). 1 of the submissions does not count toward it. Last evaluated 2018-04-12.

Conditions:
PLXNA3-related disorder. Also called: PLXNA3-related condition.

Allele frequency attached by ClinVar (database versions not stated): ExAC 0.00001; gnomAD 0.00002; gnomAD exomes 0.00002; TOPMed 0.00002.
gnomAD v4.1: 19 of 1,210,143 alleles (0.0016%); highest among the groups gnomAD compares: Non-Finnish European, 0.002%; no homozygotes.

Submissions (2):

Labcorp Genetics (formerly Invitae), Labcorp
Classification: Likely benign. Last evaluated: 2018-04-12. Review status: criteria provided, single submitter. Criteria: Invitae Variant Classification Sherloc (09022015). Collection method: clinical testing. Allele origin: germline.

PreventionGenetics, part of Exact Sciences
Classification: Likely benign for PLXNA3-related condition. Last evaluated: 2024-05-22. Review status: no assertion criteria provided. Collection method: clinical testing. Allele origin: germline. Not counted in ClinVar's aggregate classification.
Comment: This variant is classified as likely benign based on ACMG/AMP sequence variant interpretation guidelines (Richards et al. 2015 PMID: 25741868, with internal and published modifications).

NM_017514.5(PLXNA3):c.1878G>A (p.Val626=)

Gene: PLXNA3 (plexin A3; plus strand). Cytogenetic location: Xq28.
Variant type: single nucleotide variant.
Coding change: c.1878G>A on transcript NM_017514.5 (MANE Select); coding-DNA position 1878, G replaced by A.
Protein change: p.Val626=; no amino-acid change (valine 626 retained).
Molecular consequence: synonymous variant.
Genome position (GRCh38, 1-based): chrX:154,464,451, G>A. VCF-style: chrX-154464451-G-A. GRCh37 (hg19) VCF-style: chrX-153692794-G-A.
Identifiers: ClinVar variation 740729 (VCV000740729.4), dbSNP rs782298917, ClinGen allele CA10564202.